The following continues an entry in ClinVar:

NM_000243.3(MEFV):c.2082G>A (p.Met694Ile)

ClinVar aggregate classification (germline): Pathogenic/Likely pathogenic. Pathogenic (38); Likely pathogenic (1).

Submissions 30 to 46 of 46:

Myriad Genetics, Inc.
Classification: Pathogenic for Familial Mediterranean fever. Last evaluated: 2019-12-04. Review status: criteria provided, single submitter. Criteria: Myriad Women's Health Autosomal Recessive and X-Linked Classification Criteria (2019). Collection method: clinical testing. Allele origin: unknown.
Comment: NM_000243.2(MEFV):c.2082G>A(M694I) is classified as pathogenic in the context of familial Mediterranean fever. Please note that in the absence of a known personal and/or family history of inflammatory disease, the clinical significance of this MEFV variant status is uncertain. Sources cited for classification include the following: PMID 9288094, 10612841, 16378925, 19863562, 11938447, and 16378925. Classification of NM_000243.2(MEFV):c.2082G>A(M694I) is based on the following criteria: This is a well-established pathogenic variant in the literature that has been observed more frequently in patients with clinical diagnoses than in healthy populations. Please note: this variant was assessed in the context of healthy population screening.

Fulgent Genetics
Classification: Pathogenic for Familial Mediterranean fever, autosomal dominant; Familial Mediterranean fever. Last evaluated: 2018-10-31. Review status: criteria provided, single submitter. Criteria: ACMG Guidelines, 2015. Collection method: clinical testing. Allele origin: unknown.

Center for Genomics, Ann and Robert H. Lurie Children's Hospital of Chicago
Classification: Pathogenic for Familial Mediterranean fever, autosomal dominant; Familial Mediterranean fever. Last evaluated: 2017-10-19. Review status: criteria provided, single submitter. Criteria: ACMG Guidelines, 2015. Collection method: clinical testing. Allele origin: germline.
Comment: MEFV NM_000243.2 exon 10 p.Met694Ile (c.2082G>A): This variant is one of the most common pathogenic mutations associated with Familial Mediterranian Fever. This variant has been reported in several publications, including a GeneReviews entry describing this variant as disease causing (Shothat 2016 PMID:20301405). This variant is present in 17/12674 European individuals in the Genome Aggregation Database. Please note, disease causing variants may be present in control databases at low frequencies, reflective of the general population, carrier status and/or variable expressivity. This variant is present in ClinVar, with several labs classifying this variant as pathogenic (Variation ID:2539). In summary, this variant is classified as pathogenic based on the data above.

Eurofins Ntd Llc (ga)
Classification: Pathogenic. Last evaluated: 2017-10-10. Review status: criteria provided, single submitter. Criteria: EGL Classification Definitions 2015. Collection method: clinical testing. Allele origin: germline. Observed: 2 variant alleles, 2 heterozygotes.

Broad Center for Mendelian Genomics, Broad Institute of MIT and Harvard
Classification: Pathogenic for Familial Mediterranean fever, autosomal dominant. Last evaluated: 2017-06-25. Review status: criteria provided, single submitter. Criteria: ACMG Guidelines, 2015. Collection method: research. Allele origin: germline. Inheritance: Autosomal dominant inheritance. Affected: yes. Observed: 2 variant alleles. Study: Broad Institute Center for Mendelian Genomics (CMG).

Center for Pediatric Genomic Medicine, Children's Mercy Hospital and Clinics
Classification: Pathogenic. Last evaluated: 2015-12-22. Review status: criteria provided, single submitter. Criteria: ACMG Guidelines, 2015. Collection method: clinical testing. Allele origin: germline.

Clinical Genetics and Genomics, Karolinska University Hospital
Classification: Pathogenic. Last evaluated: 2014-12-18. Review status: criteria provided, single submitter. Criteria: ACMG Guidelines, 2015. Collection method: clinical testing. Allele origin: germline. Affected: yes. Observed: 12 variant alleles.

Women's Health and Genetics/Laboratory Corporation of America, LabCorp
Classification: Pathogenic for Familial Mediterranean Fever. Last evaluated: 2011-08-18. Review status: criteria provided, single submitter. Criteria: LabCorp Variant Classification Summary - May 2015. Collection method: curation, clinical testing. Allele origin: germline. Inheritance: autosomal recessive. Affected: yes. Observed: 55 variant alleles.
ClinVar note: Converted during submission from pathogenic to Pathogenic.

Clinical Genetics Service, Universitary Hospital 12 de Octubre
Classification: Pathogenic for Familial Mediterranean fever, autosomal dominant. Review status: criteria provided, single submitter. Criteria: ACMG Guidelines, 2015. Collection method: clinical testing. Allele origin: germline. Affected: yes.

Kariminejad - Najmabadi Pathology & Genetics Center
Classification: Pathogenic for Familial Mediterranean fever. Review status: criteria provided, single submitter. Criteria: ACMG Guidelines, 2015. Collection method: clinical testing. Allele origin: germline. Affected: no.

OMIM
Classification: Pathogenic for FAMILIAL MEDITERRANEAN FEVER. Last evaluated: 1997-09-01. Review status: no assertion criteria provided. Collection method: literature only. Allele origin: germline. Not counted in ClinVar's aggregate classification.

Clinical Genetics DNA and cytogenetics Diagnostics Lab, Erasmus MC, Erasmus Medical Center
Classification: Pathogenic. Review status: no assertion criteria provided. Collection method: clinical testing. Allele origin: germline. Affected: yes. Study: VKGL Data-share Consensus. Not counted in ClinVar's aggregate classification.

GeneReviews
No classification provided. Condition: Familial Mediterranean fever. Review status: no classification provided. Collection method: literature only. Allele origin: germline. Affected: yes. Not counted in ClinVar's aggregate classification.

Genome Diagnostics Laboratory, University Medical Center Utrecht
Classification: Pathogenic. Review status: no assertion criteria provided. Collection method: clinical testing. Allele origin: germline. Affected: yes. Study: VKGL Data-share Consensus. Not counted in ClinVar's aggregate classification.

Genomics And Bioinformatics Analysis Resource, Columbia University
Classification: Pathogenic for Familial Mediterranean fever. Review status: no assertion criteria provided. Collection method: research. Allele origin: unknown. Affected: yes. Not counted in ClinVar's aggregate classification.
Comment: Compound Heterozygous

Joint Genome Diagnostic Labs from Nijmegen and Maastricht, Radboudumc and MUMC+
Classification: Pathogenic. Review status: no assertion criteria provided. Collection method: clinical testing. Allele origin: germline. Affected: yes. Study: VKGL Data-share Consensus. Not counted in ClinVar's aggregate classification.

Laboratory of Diagnostic Genome Analysis, Leiden University Medical Center (LUMC)
Classification: Pathogenic. Review status: no assertion criteria provided. Collection method: clinical testing. Allele origin: germline. Affected: yes. Study: VKGL Data-share Consensus. Not counted in ClinVar's aggregate classification.

Literature cited by the submitters: PubMed 24318677 (cited by 4 submitters); PubMed 39882210 (cited by OLLIN Analises Genomicas, OLLIN); PubMed 39462592 (cited by OLLIN Analises Genomicas, OLLIN); PubMed 38488998 (cited by OLLIN Analises Genomicas, OLLIN); PubMed 10787449 (cited by Labcorp Genetics (formerly Invitae), Labcorp and Mayo Clinic Laboratories, Mayo Clinic); PubMed 12064853 (cited by 4 submitters); PubMed 15168590 (cited by Labcorp Genetics (formerly Invitae), Labcorp); PubMed 15805719 (cited by Labcorp Genetics (formerly Invitae), Labcorp); PubMed 20051664 (cited by Labcorp Genetics (formerly Invitae), Labcorp); PubMed 9781020 (cited by Labcorp Genetics (formerly Invitae), Labcorp and Mayo Clinic Laboratories, Mayo Clinic); PubMed 10364520 (cited by Labcorp Genetics (formerly Invitae), Labcorp and Women's Health and Genetics/Laboratory Corporation of America, LabCorp); PubMed 21290976 (cited by Labcorp Genetics (formerly Invitae), Labcorp); PubMed 22037353 (cited by Labcorp Genetics (formerly Invitae), Labcorp); PubMed 23031807 (cited by 3billion); PubMed 9288094 (cited by 4 submitters); PubMed 10612841 (cited by 3 submitters); PubMed 16378925 (cited by 3billion and Myriad Genetics, Inc.); PubMed 15942916 (cited by 3 submitters); PubMed 10024914 (cited by Mayo Clinic Laboratories, Mayo Clinic and Women's Health and Genetics/Laboratory Corporation of America, LabCorp); PubMed 11938447 (cited by Mayo Clinic Laboratories, Mayo Clinic and Myriad Genetics, Inc.); PubMed 32398039 (cited by Mayo Clinic Laboratories, Mayo Clinic); PubMed 33733382 (cited by Mayo Clinic Laboratories, Mayo Clinic); PubMed 34880353 (cited by Mayo Clinic Laboratories, Mayo Clinic); PubMed 27621632 (cited by Institute of Human Genetics Munich, TUM University Hospital); PubMed 11528510 (cited by Victorian Clinical Genetics Services, Murdoch Childrens Research Institute); PubMed 20301405 (cited by Victorian Clinical Genetics Services, Murdoch Childrens Research Institute); PubMed 21600797 (cited by Victorian Clinical Genetics Services, Murdoch Childrens Research Institute); PubMed 27956278 (cited by Victorian Clinical Genetics Services, Murdoch Childrens Research Institute); PubMed 29393966 (cited by Victorian Clinical Genetics Services, Murdoch Childrens Research Institute); PubMed 31088470 (cited by Victorian Clinical Genetics Services, Murdoch Childrens Research Institute); PubMed 32676558 (cited by Victorian Clinical Genetics Services, Murdoch Childrens Research Institute); PubMed 35490273 (cited by Victorian Clinical Genetics Services, Murdoch Childrens Research Institute); PubMed 19863562 (cited by Myriad Genetics, Inc.); PubMed 19967574 (cited by Women's Health and Genetics/Laboratory Corporation of America, LabCorp); PubMed 20041150 (cited by Women's Health and Genetics/Laboratory Corporation of America, LabCorp); PubMed 10090880 (cited by Women's Health and Genetics/Laboratory Corporation of America, LabCorp); PubMed 20534143 (cited by Women's Health and Genetics/Laboratory Corporation of America, LabCorp); PubMed 17331080 (cited by Women's Health and Genetics/Laboratory Corporation of America, LabCorp); PubMed 19466506 (cited by GeneReviews); PubMed 16627024 (cited by GeneReviews); NCBI Bookshelf NBK1227 (cited by GeneReviews).